The following is an entry in ClinVar:

NC_000023.11:g.48527157del

Gene: EBP (EBP cholestenol delta-isomerase; plus strand). Cytogenetic location: Xp11.23.
Variant type: Deletion.
Genome position: GRCh38 VCF-style: chrX-48527153-AG-A. GRCh37 (hg19) VCF-style: chrX-48385541-AG-A.
Identifiers: ClinVar variation 3638247 (VCV003638247.2).

ClinVar aggregate classification (germline): Pathogenic (1 of 4 stars; one submission).

Submission:

Labcorp Genetics (formerly Invitae), Labcorp
Classification: Pathogenic. Last evaluated: 2024-02-02. Review status: criteria provided, single submitter. Criteria: Invitae Variant Classification Sherloc (09022015). Collection method: clinical testing. Allele origin: germline.
Comment: This sequence change creates a premature translational stop signal (p.Gly114Valfs*24) in the EBP gene. It is expected to result in an absent or disrupted protein product. Loss-of-function variants in EBP are known to be pathogenic (PMID: 10391218). This variant is not present in population databases (gnomAD no frequency). This variant has not been reported in the literature in individuals affected with EBP-related conditions. Algorithms developed to predict the effect of sequence changes on RNA splicing suggest that this variant may disrupt the consensus splice site. For these reasons, this variant has been classified as Pathogenic.

Literature cited by the submitters: PubMed 10391218.